The following is an entry in ClinVar:

NM_004360.5(CDH1):c.2593T>G (p.Trp865Gly)

Gene: CDH1 (cadherin 1; plus strand). Cytogenetic location: 16q22.1.
Variant type: single nucleotide variant.
Coding change: c.2593T>G on transcript NM_004360.5 (MANE Select); coding-DNA position 2593, T replaced by G.
Protein change: p.Trp865Gly; replaces tryptophan 865 with glycine.
Molecular consequence: missense variant.
Genome position (GRCh38, 1-based): chr16:68,833,443, T>G. VCF-style: chr16-68833443-T-G. GRCh37 (hg19) VCF-style: chr16-68867346-T-G.
Other names: c.2593T>G (LRG_301t1); c.2410T>G, p.Trp804Gly (NM_001317184.2); c.1045T>G, p.Trp349Gly (NM_001317185.2); c.628T>G, p.Trp210Gly (NM_001317186.2); short protein forms W865G, W349G, W804G, W210G.
Identifiers: ClinVar variation 532445 (VCV000532445.13), dbSNP rs1555518267, ClinGen allele CA396472622.

ClinVar aggregate classification (germline): Uncertain significance. Review status: criteria provided, multiple submitters, no conflicts (2 of 4 stars). 2 submissions from 2 submitters: Uncertain significance (2). Last evaluated 2025-02-10.

Conditions:
Hereditary cancer-predisposing syndrome. Also called: Neoplastic Syndromes, Hereditary; Hereditary neoplastic syndrome; Tumor predisposition; Hereditary Cancer Syndrome. Identifiers: Orphanet 140162, MedGen C0027672, MeSH D009386, MONDO:0015356.
Hereditary diffuse gastric adenocarcinoma (HDGC). Also called: DIFFUSE GASTRIC AND LOBULAR BREAST CANCER SYNDROME. Identifiers: Orphanet 26106, MedGen C1708349, MONDO:0007648, OMIM 137215.

Submissions (2):

Labcorp Genetics (formerly Invitae), Labcorp
Classification: Uncertain significance for Hereditary diffuse gastric adenocarcinoma. Last evaluated: 2025-02-10. Review status: criteria provided, single submitter. Criteria: Invitae Variant Classification Sherloc (09022015). Collection method: clinical testing. Allele origin: germline.
Comment: This sequence change replaces tryptophan, which is neutral and slightly polar, with glycine, which is neutral and non-polar, at codon 865 of the CDH1 protein (p.Trp865Gly). This variant is not present in population databases (gnomAD no frequency). This variant has not been reported in the literature in individuals affected with CDH1-related conditions. ClinVar contains an entry for this variant (Variation ID: 532445). An algorithm developed to predict the effect of missense changes on protein structure and function (PolyPhen-2) suggests that this variant is likely to be disruptive. In summary, the available evidence is currently insufficient to determine the role of this variant in disease. Therefore, it has been classified as a Variant of Uncertain Significance.

Ambry Genetics
Classification: Uncertain significance for Hereditary cancer-predisposing syndrome. Last evaluated: 2019-08-01. Review status: criteria provided, single submitter. Criteria: Ambry Variant Classification Scheme 2023. Collection method: clinical testing. Allele origin: germline.
Comment: The p.W865G variant (also known as c.2593T>G), located in coding exon 16 of the CDH1 gene, results from a T to G substitution at nucleotide position 2593. The tryptophan at codon 865 is replaced by glycine, an amino acid with highly dissimilar properties. This amino acid position is highly conserved in available vertebrate species. In addition, this alteration is predicted to be deleterious by in silico analysis. Since supporting evidence is limited at this time, the clinical significance of this alteration remains unclear.